The following is an entry in ClinVar:

ClinVar aggregate classification (germline): Uncertain significance (1 of 4 stars; one submission).

Conditions:
Joubert syndrome. Also called: CEREBELLOPARENCHYMAL DISORDER IV; JOUBERT-BOLTSHAUSER SYNDROME; Familial aplasia of the vermis. Identifiers: Orphanet 475, MedGen C5979921, MONDO:0018772.
Meckel-Gruber syndrome. Also called: DYSENCEPHALIA SPLANCHNOCYSTICA; GRUBER SYNDROME; Dysencephalia splachnocystica. Identifiers: Orphanet 564, MedGen C0265215, MONDO:0018921.

Allele frequency attached by ClinVar (database versions not stated): gnomAD 0.00001; gnomAD exomes 0.00001; TOPMed 0.00001; ExAC 0.00002.

Submission:

Labcorp Genetics (formerly Invitae), Labcorp
Classification: Uncertain significance for Joubert syndrome; Meckel-Gruber syndrome. Last evaluated: 2022-08-23. Review status: criteria provided, single submitter. Criteria: Invitae Variant Classification Sherloc (09022015). Collection method: clinical testing. Allele origin: germline.
Comment: This variant has not been reported in the literature in individuals affected with TCTN1-related conditions. This sequence change replaces glycine, which is neutral and non-polar, with glutamic acid, which is acidic and polar, at codon 549 of the TCTN1 protein (p.Gly549Glu). This variant is present in population databases (rs780673992, gnomAD 0.002%). ClinVar contains an entry for this variant (Variation ID: 1431774). Algorithms developed to predict the effect of missense changes on protein structure and function (SIFT, PolyPhen-2, Align-GVGD) all suggest that this variant is likely to be disruptive. In summary, the available evidence is currently insufficient to determine the role of this variant in disease. Therefore, it has been classified as a Variant of Uncertain Significance.

NM_001082538.3(TCTN1):c.1646G>A (p.Gly549Glu)

Gene: TCTN1 (tectonic family member 1; plus strand). Cytogenetic location: 12q24.11.
Variant type: single nucleotide variant.
Coding change: c.1646G>A on transcript NM_001082538.3 (MANE Select); coding-DNA position 1646, G replaced by A.
Protein change: p.Gly549Glu; replaces glycine 549 with glutamic acid.
Molecular consequence: missense variant. On other transcripts: non-coding transcript variant (1).
Genome position (GRCh38, 1-based): chr12:110,647,759, G>A. VCF-style: chr12-110647759-G-A. GRCh37 (hg19) VCF-style: chr12-111085564-G-A.
Other names: c.1631G>A, p.Gly544Glu (NM_001082537.3); c.1463G>A, p.Gly488Glu (NM_001173975.3); c.1319G>A, p.Gly440Glu (NM_001173976.2); c.1484G>A, p.Gly495Glu (NM_001319680.2); c.1097G>A, p.Gly366Glu (NM_001319681.2); c.1589G>A, p.Gly530Glu (NM_024549.6); short protein forms G440E, G495E, G544E, G366E, G530E, G488E, G549E.
Identifiers: ClinVar variation 1431774 (VCV001431774.5), dbSNP rs780673992, ClinGen allele CA6786966.